The following is an entry in ClinVar:

ClinVar aggregate classification (germline): Benign/Likely benign. Review status: criteria provided, multiple submitters, no conflicts (2 of 4 stars). 4 submissions from 4 submitters: Benign (2); Likely benign (1). 1 of the submissions does not count toward it. Last evaluated 2025-11-30.

Conditions:
DNAH1-related disorder. Also called: DNAH1-related condition.
Spermatogenic failure 18. Identifiers: MedGen C4539783, MONDO:0054615, OMIM 617576.
Ciliary dyskinesia, primary, 37 (CILD37). Also called: CILIARY DYSKINESIA, PRIMARY, 37, WITH OR WITHOUT SITUS INVERSUS. Identifiers: MedGen C4539798, MONDO:0033204, OMIM 617577.

Allele frequency attached by ClinVar (database versions not stated): gnomAD exomes 0.00028 and 0.00094; gnomAD 0.00029 and 0.00046; 1000 Genomes Project 30x 0.00187; 1000 Genomes Project 0.00220; TOPMed 0.00063; ExAC 0.00120.
gnomAD v4.1: 476 of 1,612,136 alleles (0.03%); highest among the groups gnomAD compares: East Asian, 0.91%; 4 homozygotes.

Submissions (4):

Labcorp Genetics (formerly Invitae), Labcorp
Classification: Benign for Ciliary dyskinesia, primary, 37; Spermatogenic failure 18. Last evaluated: 2025-11-30. Review status: criteria provided, single submitter. Criteria: Invitae Variant Classification Sherloc (09022015). Collection method: clinical testing. Allele origin: germline.

CeGaT Center for Human Genetics Tuebingen
Classification: Likely benign. Last evaluated: 2024-07-01. Review status: criteria provided, single submitter. Criteria: CeGaT Center For Human Genetics Tuebingen Variant Classification Criteria Version 2. Collection method: clinical testing. Allele origin: germline. Affected: yes. Observed: 1 variant allele.
Comment: DNAH1: BP4, BS1

Fulgent Genetics
Classification: Benign for Spermatogenic failure 18; Ciliary dyskinesia, primary, 37. Last evaluated: 2021-11-01. Review status: criteria provided, single submitter. Criteria: ACMG Guidelines, 2015. Collection method: clinical testing. Allele origin: unknown.

PreventionGenetics, part of Exact Sciences
Classification: Likely benign for DNAH1-related condition. Last evaluated: 2024-05-10. Review status: no assertion criteria provided. Collection method: clinical testing. Allele origin: germline. Not counted in ClinVar's aggregate classification.
Comment: This variant is classified as likely benign based on ACMG/AMP sequence variant interpretation guidelines (Richards et al. 2015 PMID: 25741868, with internal and published modifications).

NM_015512.5(DNAH1):c.3836A>G (p.Lys1279Arg)

Gene: DNAH1 (dynein axonemal heavy chain 1; plus strand). Cytogenetic location: 3p21.1.
Variant type: single nucleotide variant.
Coding change: c.3836A>G on transcript NM_015512.5 (MANE Select); coding-DNA position 3836, A replaced by G.
Protein change: p.Lys1279Arg; replaces lysine 1279 with arginine.
Molecular consequence: missense variant.
Genome position (GRCh38, 1-based): chr3:52,356,756, A>G. VCF-style: chr3-52356756-A-G. GRCh37 (hg19) VCF-style: chr3-52390772-A-G.
Other names: short protein forms K1279R.
Identifiers: ClinVar variation 770090 (VCV000770090.28), dbSNP rs142595873, ClinGen allele CA2433706.
Genomic context (GRCh38, chr3:52,356,756, plus strand): 5'-AGCTGCCTGTGGAGAGCAAGCGCTACCAGACCATGGAGCGGATCTGGAAGAAGATCATGA[A>G]GAATGCCTACGAGAACCGGGAGGCAAGCTCAATGAGGGTGGGAGGGGCAGCTGGGATCCC-3'
Protein context (NP_056327.4, residues 1269-1289): TMERIWKKIM[Lys1279Arg]NAYENREVIN